The following is an entry in ClinVar:

ClinVar aggregate classification (germline): Pathogenic. Review status: criteria provided, multiple submitters, no conflicts (2 of 4 stars). 4 submissions from 4 submitters: Pathogenic (3). 1 of the submissions does not count toward it. Last evaluated 2025-11-10.

Conditions:
Hereditary cancer-predisposing syndrome. Also called: Hereditary Cancer Syndrome; Hereditary neoplastic syndrome; Neoplastic Syndromes, Hereditary; Tumor predisposition. Identifiers: Orphanet 140162, MedGen C0027672, MeSH D009386, MONDO:0015356.
Nijmegen breakage syndrome-like disorder (NBSLD). Also called: MICROCEPHALY AND SPONTANEOUS CHROMOSOME INSTABILITY WITHOUT IMMUNODEFICIENCY; NBS-LIKE DISORDER; RAD50 DEFICIENCY. Identifiers: Orphanet 240760, MedGen C2751318, MONDO:0013118, OMIM 613078.

Submissions (4):

Labcorp Genetics (formerly Invitae), Labcorp
Classification: Pathogenic for Hereditary cancer-predisposing syndrome. Last evaluated: 2025-11-10. Review status: criteria provided, single submitter. Criteria: Invitae Variant Classification Sherloc (09022015). Collection method: clinical testing. Allele origin: germline.
Comment: This sequence change creates a premature translational stop signal (p.Thr1010Argfs*14) in the RAD50 gene. It is expected to result in an absent or disrupted protein product. Loss-of-function variants in RAD50 are known to be pathogenic (PMID: 19409520). This variant is not present in population databases (gnomAD no frequency). This premature translational stop signal has been observed in individual(s) with breast or ovarian cancer (PMID: 26786923). ClinVar contains an entry for this variant (Variation ID: 408355). For these reasons, this variant has been classified as Pathogenic.

Ambry Genetics
Classification: Pathogenic for Hereditary cancer-predisposing syndrome. Last evaluated: 2023-11-29. Review status: criteria provided, single submitter. Criteria: Ambry Variant Classification Scheme 2023. Collection method: clinical testing. Allele origin: germline.
Comment: The c.3029_3032delCACA pathogenic mutation, located in coding exon 19 of the RAD50 gene, results from a deletion of 4 nucleotides at nucleotide positions 3029 to 3032, causing a translational frameshift with a predicted alternate stop codon (p.T1010Rfs*14). This mutation was detected in 1/2000 breast cancer patients who underwent multi-gene panel testing (Thompson ER et al. J Clin Oncol. 2016 May 1;34(13):1455-9). This alteration is expected to result in loss of function by premature protein truncation or nonsense-mediated mRNA decay. As such, this alteration is interpreted as a disease-causing mutation.

Baylor Genetics
Classification: Pathogenic for Nijmegen breakage syndrome-like disorder. Last evaluated: 2022-09-15. Review status: criteria provided, single submitter. Criteria: ACMG Guidelines, 2015. Collection method: clinical testing. Allele origin: unknown.

Counsyl
Classification: Likely pathogenic for Nijmegen breakage syndrome-like disorder. Last evaluated: 2017-03-22. Review status: no assertion criteria provided. Collection method: clinical testing. Allele origin: unknown. Not counted in ClinVar's aggregate classification.

Literature cited by the submitters: PubMed 19409520 (cited by Labcorp Genetics (formerly Invitae), Labcorp); PubMed 26786923 (cited by Labcorp Genetics (formerly Invitae), Labcorp and Counsyl).

NM_005732.4(RAD50):c.3029_3032del (p.Thr1010fs)

Gene: RAD50 (RAD50 double strand break repair protein; plus strand). Cytogenetic location: 5q31.1.
Variant type: Deletion.
Coding change: c.3029_3032del on transcript NM_005732.4 (MANE Select); coding-DNA positions 3029 to 3032, 4 bases deleted (CACA; older notation c.3029_3032delCACA).
Protein change: p.Thr1010fs; shifts the reading frame from threonine 1010.
Molecular consequence: frameshift variant.
Genome position (GRCh38, 1-based): chr5:132,609,389-132,609,392, CACA deleted; deleting any 4 consecutive bases within chr5:132,609,388-132,609,392 gives the same sequence; the c. name uses the placement nearest the transcript's 3' end. VCF-style (leftmost placement, unchanged base first): chr5-132609387-TACAC-T. GRCh37 (hg19) VCF-style: chr5-131945079-TACAC-T.
Other names: short protein forms T1010fs.
Identifiers: ClinVar variation 408355 (VCV000408355.15), dbSNP rs1060501941, ClinGen allele CA16611742.